The following is an entry in ClinVar:

NM_001273.5(CHD4):c.1870A>G (p.Ile624Val)

Gene: CHD4 (chromodomain helicase DNA binding protein 4; minus strand). Cytogenetic location: 12p13.31.
Variant type: single nucleotide variant.
Coding change: c.1870A>G on transcript NM_001273.5 (MANE Select); coding-DNA position 1870, A replaced by G.
Protein change: p.Ile624Val; replaces isoleucine 624 with valine.
Molecular consequence: missense variant.
Genome position (GRCh38, 1-based): chr12:6,597,916, T>C on the plus strand (A>G on the coding strand, the complement: CHD4 is on the minus strand). VCF-style: chr12-6597916-T-C. GRCh37 (hg19) VCF-style: chr12-6707082-T-C.
Other names: c.1849A>G, p.Ile617Val (NM_001297553.2); c.1831A>G, p.Ile611Val (NM_001363606.2); short protein forms I611V, I617V, I624V.
Identifiers: ClinVar variation 4681986 (VCV004681986.5).

ClinVar aggregate classification (germline): Uncertain significance (1 of 4 stars; one submission).

gnomAD v4.1: 5 of 1,614,194 alleles (0.00031%); highest among the groups gnomAD compares: Non-Finnish European, 0.00042%; no homozygotes.

Submission:

CeGaT Center for Human Genetics Tuebingen
Classification: Uncertain significance. Last evaluated: 2025-12-01. Review status: criteria provided, single submitter. Criteria: CeGaT Center For Human Genetics Tuebingen Variant Classification Criteria Version 2. Collection method: clinical testing. Allele origin: germline. Affected: yes. Observed: 1 variant allele.
Comment: CHD4: PM2